The following is an entry in ClinVar:

ClinVar aggregate classification (germline): Uncertain significance (1 of 4 stars; one submission).

Conditions:
ARID1A-related disorder. Also called: ARID1A-related condition.

Submission:

PreventionGenetics, part of Exact Sciences
Classification: Uncertain significance for ARID1A-related condition. Last evaluated: 2026-03-18. Review status: criteria provided, single submitter. Criteria: ACMG Guidelines, 2015. Collection method: clinical testing. Allele origin: germline.
Comment: The ARID1A c.475T>A variant is predicted to result in the amino acid substitution p.Ser159Thr. To our knowledge, this variant has not been reported in the literature or in a large population database (gnomAD), indicating this variant is rare. At this time, the clinical significance of this variant is uncertain due to the absence of conclusive functional and genetic evidence.

NM_006015.6(ARID1A):c.475T>A (p.Ser159Thr)

Gene: ARID1A (AT-rich interaction domain 1A; plus strand). Cytogenetic location: 1p36.11.
Variant type: single nucleotide variant.
Coding change: c.475T>A on transcript NM_006015.6 (MANE Select); coding-DNA position 475, T replaced by A.
Protein change: p.Ser159Thr; replaces serine 159 with threonine.
Molecular consequence: missense variant.
Genome position (GRCh38, 1-based): chr1:26,696,878, T>A. VCF-style: chr1-26696878-T-A. GRCh37 (hg19) VCF-style: chr1-27023369-T-A.
Other names: c.475T>A, p.Ser159Thr (NM_139135.4); short protein forms S159T.
Identifiers: ClinVar variation 4991579 (VCV004991579.1).